The following is an entry in ClinVar:

NM_001282225.2(ADA2):c.1355C>G (p.Ser452Cys)

Gene: ADA2 (adenosine deaminase 2; minus strand). Cytogenetic location: 22q11.1.
Variant type: single nucleotide variant.
Coding change: c.1355C>G on transcript NM_001282225.2 (MANE Select); coding-DNA position 1355, C replaced by G.
Protein change: p.Ser452Cys; replaces serine 452 with cysteine.
Molecular consequence: missense variant.
Genome position (GRCh38, 1-based): chr22:17,181,907, G>C on the plus strand (C>G on the coding strand, the complement: ADA2 is on the minus strand). VCF-style: chr22-17181907-G-C. GRCh37 (hg19) VCF-style: chr22-17662797-G-C.
Other names: c.1355C>G, p.Ser452Cys (NM_001282226.2); c.1229C>G, p.Ser410Cys (NM_001282227.2, NM_001282228.2); c.995C>G, p.Ser332Cys (NM_001282229.2); c.632C>G, p.Ser211Cys (NM_177405.3); short protein forms S410C, S452C, S211C, S332C.
Identifiers: ClinVar variation 1521707 (VCV001521707.6), dbSNP rs747458336, ClinGen allele CA10087892.
Genomic context (GRCh38, chr22:17,181,907, plus strand): 5'-AGGGTCCTCAGGTCAGCCTTCATCCCCCCAATGCCCATGAAGACCTCATAGAAATCATAG[G>C]ACAAGCCTTTGGCACCAAACATAGCTGGGTCATCAGAGCTGATCACCATGGGGTGCCCAG-3'
Protein context (NP_001269154.1, residues 442-462): DPAMFGAKGL[Ser452Cys]YDFYEVFMGI

ClinVar aggregate classification (germline): Uncertain significance. Review status: criteria provided, multiple submitters, no conflicts (2 of 4 stars). 2 submissions from 2 submitters: Uncertain significance (2). Last evaluated 2022-05-05.

Conditions:
Deficiency of adenosine deaminase 2. Also called: Polyarteritis nodosa, childhoood-onset; Adenosine Deaminase 2 Deficiency; VASCULITIS, AUTOINFLAMMATION, IMMUNODEFICIENCY, AND HEMATOLOGIC DEFECTS SYNDROME. Identifiers: Orphanet 404553, MedGen C3887654, MONDO:0014306, OMIM 615688, MONDO:0100317.
Sneddon syndrome (SNDNS). Also called: LIVEDO RETICULARIS AND CEREBROVASCULAR ACCIDENTS; Idiopathic livedo reticularis with systemic involvement. Identifiers: Orphanet 820, MedGen C0282492, MONDO:0008436, OMIM 182410.

Allele frequency attached by ClinVar (database versions not stated): TOPMed below 0.00001; ExAC 0.00001; gnomAD exomes 0.00001 and 0.00002.
gnomAD v4.1: 4 of 1,614,126 alleles (0.00025%); highest among the groups gnomAD compares: Admixed American, 0.0067%; no homozygotes.

Submissions (2):

Fulgent Genetics
Classification: Uncertain significance for Sneddon syndrome; Deficiency of adenosine deaminase 2. Last evaluated: 2022-05-05. Review status: criteria provided, single submitter. Criteria: ACMG Guidelines, 2015. Collection method: clinical testing. Allele origin: unknown.

Labcorp Genetics (formerly Invitae), Labcorp
Classification: Uncertain significance for Deficiency of adenosine deaminase 2. Last evaluated: 2021-09-01. Review status: criteria provided, single submitter. Criteria: Invitae Variant Classification Sherloc (09022015). Collection method: clinical testing. Allele origin: germline.
Comment: This sequence change replaces serine with cysteine at codon 452 of the ADA2 protein (p.Ser452Cys). The serine residue is highly conserved and there is a moderate physicochemical difference between serine and cysteine. This variant is present in population databases (rs747458336, ExAC 0.009%). This variant has not been reported in the literature in individuals affected with ADA2-related conditions. Algorithms developed to predict the effect of missense changes on protein structure and function are either unavailable or do not agree on the potential impact of this missense change (SIFT: "Deleterious"; PolyPhen-2: "Probably Damaging"; Align-GVGD: "Class C0"). In summary, the available evidence is currently insufficient to determine the role of this variant in disease. Therefore, it has been classified as a Variant of Uncertain Significance.